The following is an entry in ClinVar:

NM_003283.6(TNNT1):c.47-13C>A

Gene: TNNT1 (troponin T1, slow skeletal type; minus strand). Cytogenetic location: 19q13.42.
Variant type: single nucleotide variant.
Coding change: c.47-13C>A on transcript NM_003283.6 (MANE Select); 13 bases into the intron before coding-DNA position 47, C replaced by A.
Molecular consequence: intron variant.
Genome position (GRCh38, 1-based): chr19:55,146,720, G>T on the plus strand (C>A on the coding strand, the complement: TNNT1 is on the minus strand). VCF-style: chr19-55146720-G-T. GRCh37 (hg19) VCF-style: chr19-55658088-G-T.
Other names: NC_000019.9:g.55658088G>T; c.47-13C>A (NM_001126133.3, NM_001126132.3, NM_001291774.2).
Identifiers: ClinVar variation 4445084 (VCV004445084.2).

ClinVar aggregate classification (germline): Uncertain significance (1 of 4 stars; one submission).

Submissions (3):

CeGaT Center for Human Genetics Tuebingen
Classification: Uncertain significance. Last evaluated: 2026-09-01. Review status: criteria provided, single submitter. Criteria: CeGaT Center For Human Genetics Tuebingen Variant Classification Criteria Version 2. Collection method: clinical testing. Allele origin: germline. Affected: yes. Observed: 1 variant allele.
Comment: TNNT1: PM2

Dr. Peter K. Rogan Lab, Western University
No classification provided (evidence only). Condition: Ovarian serous cystadenocarcinoma. Review status: no classification provided. Collection method: in vitro. Allele origin: not applicable. Functional consequence: retained intron. Not counted in ClinVar's aggregate classification.

Dr. Peter K. Rogan Lab, Western University
No classification provided (evidence only). Condition: Ovarian serous cystadenocarcinoma. Review status: no classification provided. Collection method: in vitro. Allele origin: not applicable. Functional consequence: retained intron. Not counted in ClinVar's aggregate classification.